The following is an entry in ClinVar:

NM_001009944.3(PKD1):c.12381C>G (p.Tyr4127Ter)

Gene: PKD1 (polycystin 1, transient receptor potential channel interacting; minus strand). Cytogenetic location: 16p13.3.
Variant type: single nucleotide variant.
Coding change: c.12381C>G on transcript NM_001009944.3 (MANE Select); coding-DNA position 12381, C replaced by G.
Protein change: p.Tyr4127Ter; replaces tyrosine 4127 with a stop codon.
Molecular consequence: nonsense.
Genome position (GRCh38, 1-based): chr16:2,090,348, G>C on the plus strand (C>G on the coding strand, the complement: PKD1 is on the minus strand). VCF-style: chr16-2090348-G-C. GRCh37 (hg19) VCF-style: chr16-2140349-G-C.
Other names: c.12378C>G, p.Tyr4126Ter (NM_000296.4); short protein forms Y4126*, Y4127*.
Identifiers: ClinVar variation 811724 (VCV000811724.9), dbSNP rs756212622, ClinGen allele CA394324937.

ClinVar aggregate classification (germline): Pathogenic. Review status: criteria provided, multiple submitters, no conflicts (2 of 4 stars). 2 submissions from 2 submitters: Pathogenic (2). Last evaluated 2024-03-25.

Conditions:
Polycystic kidney disease, adult type (PKD1). Also called: POLYCYSTIC KIDNEY DISEASE 1 WITH OR WITHOUT POLYCYSTIC LIVER DISEASE; POLYCYSTIC KIDNEY DISEASE, ADULT, TYPE I; Polycystic Kidney, Autosomal Dominant; Polycystic Kidney Disease 1, Autosomal Dominant; Polycystic kidney disease 1; Polycystic kidney disease 1, severe. Identifiers: MedGen C3149841, MONDO:0008263, OMIM 173900.

Submissions (2):

Fulgent Genetics
Classification: Pathogenic for Polycystic kidney disease, adult type. Last evaluated: 2024-03-25. Review status: criteria provided, single submitter. Criteria: ACMG Guidelines, 2015. Collection method: clinical testing. Allele origin: germline.

ARUP Laboratories, Molecular Genetics and Genomics, ARUP Laboratories
Classification: Pathogenic for Polycystic kidney disease, adult type. Last evaluated: 2018-07-27. Review status: criteria provided, single submitter. Criteria: ARUP Molecular Germline Variant Investigation Process. Collection method: clinical testing. Allele origin: germline.
Comment: The PKD1 c.12381C>G; p.Tyr4127Ter variant, to our knowledge, is reported in the literature in at least one individual affected with autosomal dominant polycystic kidney disease (ADPKD; Turco 1997). The variant is reported in the ADPKD database (see link), and is absent from general population databases (1000 Genomes Project, Exome Variant Server, and Genome Aggregation Database), indicating it is not a common polymorphism. This variant induces an early termination codon and is predicted to result in a truncated protein or mRNA subject to nonsense-mediated decay. Based on available information, this variant is considered to be pathogenic. References: Link to ADPKD database: Turco AE et al. Three novel mutations of the PKD1 gene in Italian families with autosomal dominant polycystic kidney disease. Hum Mutat. 1997;10(2):164-7.